The following is an entry in ClinVar:

ClinVar aggregate classification (germline): Uncertain significance. Review status: criteria provided, multiple submitters, no conflicts (2 of 4 stars). 2 submissions from 2 submitters: Uncertain significance (2). Last evaluated 2025-06-29.

Conditions:
Primary dilated cardiomyopathy (DCM). Also called: Dilated Cardiomyopathy. Identifiers: Orphanet 217604, MedGen C0007193, MeSH D002311, MONDO:0005021, HP:0001644. Inheritance: Various modes of inheritance.

Allele frequency attached by ClinVar (database versions not stated): gnomAD exomes below 0.00001; TOPMed below 0.00001; ExAC 0.00001.
gnomAD v4.1: 1 of 1,403,970 alleles (0.000071%); highest among the groups gnomAD compares: Non-Finnish European, 0.0001%; no homozygotes.

Submissions (2):

Ambry Genetics
Classification: Uncertain significance. Last evaluated: 2025-06-29. Review status: criteria provided, single submitter. Criteria: Ambry Variant Classification Scheme 2023. Collection method: clinical testing. Allele origin: germline.

Labcorp Genetics (formerly Invitae), Labcorp
Classification: Uncertain significance for Primary dilated cardiomyopathy. Last evaluated: 2021-10-28. Review status: criteria provided, single submitter. Criteria: Invitae Variant Classification Sherloc (09022015). Collection method: clinical testing. Allele origin: germline.
Comment: Algorithms developed to predict the effect of missense changes on protein structure and function are either unavailable or do not agree on the potential impact of this missense change (SIFT: "Deleterious"; PolyPhen-2: "Possibly Damaging"; Align-GVGD: "Class C0"). This sequence change replaces isoleucine, which is neutral and non-polar, with methionine, which is neutral and non-polar, at codon 229 of the NEBL protein (p.Ile229Met). This variant is not present in population databases (gnomAD no frequency). This variant has not been reported in the literature in individuals affected with NEBL-related conditions. In summary, the available evidence is currently insufficient to determine the role of this variant in disease. Therefore, it has been classified as a Variant of Uncertain Significance.

NM_006393.3(NEBL):c.687T>G (p.Ile229Met)

Gene: NEBL (nebulette; minus strand). Cytogenetic location: 10p12.31.
Variant type: single nucleotide variant.
Coding change: c.687T>G on transcript NM_006393.3 (MANE Select); coding-DNA position 687, T replaced by G.
Protein change: p.Ile229Met; replaces isoleucine 229 with methionine.
Molecular consequence: missense variant. On other transcripts: intron variant (9).
Genome position (GRCh38, 1-based): chr10:20,859,824, A>C on the plus strand (T>G on the coding strand, the complement: NEBL is on the minus strand). VCF-style: chr10-20859824-A-C. GRCh37 (hg19) VCF-style: chr10-21148753-A-C.
Other names: c.250-46884T>G (NM_001377326.1, NM_001377327.1, NM_001377328.1); c.358-46884T>G (NM_213569.2, NM_001173484.2, NM_001377322.1); c.301-46884T>G (NM_001377324.1); c.292-46884T>G (NM_001377325.1); c.310-46884T>G (NM_001377323.1); c.687T>G (NM_006393.2); short protein forms I229M.
Identifiers: ClinVar variation 1477414 (VCV001477414.7), dbSNP rs768661641, ClinGen allele CA5433132.